The following is an entry in ClinVar:

ClinVar aggregate classification (germline): Pathogenic (1 of 4 stars; one submission).

Conditions:
Pyruvate carboxylase deficiency. Also called: ATAXIA WITH LACTIC ACIDOSIS II; LEIGH NECROTIZING ENCEPHALOPATHY DUE TO PYRUVATE CARBOXYLASE DEFICIENCY; LEIGH SYNDROME DUE TO PYRUVATE CARBOXYLASE DEFICIENCY; PC DEFICIENCY; Pyruvate Carboxylase Deficiency Disease. Identifiers: Orphanet 3008, MedGen C0034341, MONDO:0009949, OMIM 266150.

Submission:

Myriad Genetics, Inc.
Classification: Pathogenic for Pyruvate carboxylase deficiency. Last evaluated: 2023-09-11. Review status: criteria provided, single submitter. Criteria: Myriad Autosomal Dominant, Autosomal Recessive and X-Linked Classification Criteria (2023). Collection method: clinical testing. Allele origin: unknown.
Comment: NM_000920.3(PC):c.1037_1038insG(H346Qfs*8) is expected to be pathogenic in the context of pyruvate carboxylase deficiency. This variant is predicted to lead to an abnormal or absent protein product due to the creation of a premature termination codon in PC, a gene where loss-of-function variants are known to be pathogenic. Please note: this variant was assessed in the context of healthy population screening.

NM_001040716.2(PC):c.1037_1038insG (p.His346fs)

Gene: PC (pyruvate carboxylase; minus strand). Cytogenetic location: 11q13.2.
Variant type: Insertion.
Coding change: c.1037_1038insG on transcript NM_001040716.2 (MANE Select); coding-DNA positions 1037 to 1038, G inserted.
Protein change: p.His346fs; shifts the reading frame from histidine 346.
Molecular consequence: frameshift variant.
Genome position: GRCh38 VCF-style: chr11-66866334-A-AC. GRCh37 (hg19) VCF-style: chr11-66633805-A-AC.
Other names: c.1037_1038insG, p.His346fs (NM_000920.4, NM_001439352.1, NM_001439353.1 and 5 more transcripts); short protein forms H346fs.
Identifiers: ClinVar variation 5011643 (VCV005011643.1).